The following is an entry in ClinVar:

ClinVar aggregate classification (germline): Uncertain significance. Review status: criteria provided, multiple submitters, no conflicts (2 of 4 stars). 2 submissions from 2 submitters: Uncertain significance (2). Last evaluated 2026-02-18.

Conditions:
Familial thoracic aortic aneurysm and aortic dissection (TAAD). Also called: Thoracic aortic aneurysms and dissections. Identifiers: Orphanet 91387, MedGen C4707243, MONDO:0019625.

Submissions (2):

Ambry Genetics
Classification: Uncertain significance for Familial thoracic aortic aneurysm and aortic dissection. Last evaluated: 2026-02-18. Review status: criteria provided, single submitter. Criteria: Ambry Variant Classification Scheme 2023. Collection method: clinical testing. Allele origin: germline.
Comment: The c.1831C>A variant (also known as p.R611R), located in coding exon 17 of the COL5A1 gene, results from a C to A substitution at nucleotide position 1831. This nucleotide substitution does not change the amino acid at codon 611. This nucleotide position is highly conserved in available vertebrate species. In silico splice site analysis predicts that this alteration may result in the creation or strengthening of a novel splice acceptor site. Based on the available evidence, the clinical significance of this variant remains unclear.

Mayo Clinic Laboratories, Mayo Clinic
Classification: Uncertain significance. Last evaluated: 2025-11-30. Review status: criteria provided, single submitter. Criteria: ACMG Guidelines, 2015. Collection method: clinical testing. Allele origin: germline. Observed: 1 variant allele.
Comment: PM2_supporting

NM_000093.5(COL5A1):c.1831C>A (p.Arg611=)

Gene: COL5A1 (collagen type V alpha 1 chain; plus strand). Cytogenetic location: 9q34.3.
Variant type: single nucleotide variant.
Coding change: c.1831C>A on transcript NM_000093.5 (MANE Select); coding-DNA position 1831, C replaced by A.
Protein change: p.Arg611=; no amino-acid change (arginine 611 retained).
Molecular consequence: synonymous variant.
Genome position (GRCh38, 1-based): chr9:134,756,768, C>A. VCF-style: chr9-134756768-C-A. GRCh37 (hg19) VCF-style: chr9-137648614-C-A.
Other names: p.Arg611=; c.1831C>A (NM_000093.3); c.1831C>A, p.Arg611= (NM_001278074.1).
Identifiers: ClinVar variation 4541516 (VCV004541516.2).